The following is an entry in ClinVar:

ClinVar aggregate classification (germline): Uncertain significance. Review status: criteria provided, multiple submitters, no conflicts (2 of 4 stars). 2 submissions from 2 submitters: Uncertain significance (2). Last evaluated 2026-01-14.

Conditions:
Mitochondrial complex II deficiency, nuclear type 1. Also called: SUCCINATE CoQ REDUCTASE DEFICIENCY. Identifiers: Orphanet 3208, MedGen C5700310, MONDO:0100294, OMIM 252011.
Pheochromocytoma/paraganglioma syndrome 5. Also called: SDHA-Related Hereditary Paraganglioma-Pheochromocytoma Syndrome; Paragangliomas 5. Identifiers: Orphanet 29072, MedGen C3279992, MONDO:0013602, OMIM 614165.
Hereditary cancer-predisposing syndrome. Also called: Neoplastic Syndromes, Hereditary; Hereditary Cancer Syndrome; Tumor predisposition; Hereditary neoplastic syndrome. Identifiers: Orphanet 140162, MedGen C0027672, MeSH D009386, MONDO:0015356.

Allele frequency attached by ClinVar (database versions not stated): gnomAD exomes below 0.00001; ExAC 0.00001.

Submissions (2):

Labcorp Genetics (formerly Invitae), Labcorp
Classification: Uncertain significance for Pheochromocytoma/paraganglioma syndrome 5; Mitochondrial complex II deficiency, nuclear type 1. Last evaluated: 2026-01-14. Review status: criteria provided, single submitter. Criteria: Invitae Variant Classification Sherloc (09022015). Collection method: clinical testing. Allele origin: germline.
Comment: This sequence change replaces isoleucine, which is neutral and non-polar, with threonine, which is neutral and polar, at codon 431 of the SDHA protein (p.Ile431Thr). This variant is present in population databases (rs776188923, gnomAD 0.003%). This variant has not been reported in the literature in individuals affected with SDHA-related conditions. ClinVar contains an entry for this variant (Variation ID: 412375). Invitae Evidence Modeling of protein sequence and biophysical properties (such as structural, functional, and spatial information, amino acid conservation, physicochemical variation, residue mobility, and thermodynamic stability) indicates that this missense variant is not expected to disrupt SDHA protein function with a negative predictive value of 95%. In summary, the available evidence is currently insufficient to determine the role of this variant in disease. Therefore, it has been classified as a Variant of Uncertain Significance.

Ambry Genetics
Classification: Uncertain significance for Hereditary cancer-predisposing syndrome. Last evaluated: 2024-02-16. Review status: criteria provided, single submitter. Criteria: Ambry Variant Classification Scheme 2023. Collection method: clinical testing. Allele origin: germline.
Comment: The p.I431T variant (also known as c.1292T>C), located in coding exon 10 of the SDHA gene, results from a T to C substitution at nucleotide position 1292. The isoleucine at codon 431 is replaced by threonine, an amino acid with similar properties. This amino acid position is poorly conserved in available vertebrate species. In addition, this alteration is predicted to be tolerated by in silico analysis. Based on the available evidence, the clinical significance of this alteration remains unclear.

NM_004168.4(SDHA):c.1292T>C (p.Ile431Thr)

Gene: SDHA (succinate dehydrogenase complex flavoprotein subunit A; plus strand). Cytogenetic location: 5p15.33.
Variant type: single nucleotide variant.
Coding change: c.1292T>C on transcript NM_004168.4 (MANE Select); coding-DNA position 1292, T replaced by C.
Protein change: p.Ile431Thr; replaces isoleucine 431 with threonine.
Molecular consequence: missense variant.
Genome position (GRCh38, 1-based): chr5:236,459, T>C. VCF-style: chr5-236459-T-C. GRCh37 (hg19) VCF-style: chr5-236574-T-C.
Other names: c.1148T>C, p.Ile383Thr (NM_001294332.2); c.1292T>C, p.Ile431Thr (NM_001330758.2); short protein forms I431T, I383T.
Identifiers: ClinVar variation 412375 (VCV000412375.11), dbSNP rs776188923, ClinGen allele CA3173184.
Genomic context (GRCh38, chr5:236,459, plus strand): 5'-CATTTCACCTGAAATCTTCCTTTCCACAGGTCCTGAGGCACGTGAATGGCCAGGATCAGA[T>C]TGTGCCCGGCCTGTACGCCTGTGGGGAGGCCGCCTGTGCCTCGGTACATGGTGCCAACCG-3'
Protein context (NP_004159.2, residues 421-441): VLRHVNGQDQ[Ile431Thr]VPGLYACGEA